The following is an entry in ClinVar:

NM_006017.3(PROM1):c.2315C>T (p.Ala772Val)

Gene: PROM1 (prominin 1; minus strand). Cytogenetic location: 4p15.32.
Variant type: single nucleotide variant.
Coding change: c.2315C>T on transcript NM_006017.3 (MANE Select); coding-DNA position 2315, C replaced by T.
Protein change: p.Ala772Val; replaces alanine 772 with valine.
Molecular consequence: missense variant.
Genome position (GRCh38, 1-based): chr4:15,984,321, G>A on the plus strand (C>T on the coding strand, the complement: PROM1 is on the minus strand). VCF-style: chr4-15984321-G-A. GRCh37 (hg19) VCF-style: chr4-15985944-G-A.
Other names: c.2288C>T, p.Ala763Val (NM_001145847.2, NM_001145848.2, NM_001145851.2 and 4 more transcripts); c.2315C>T, p.Ala772Val (NM_001145849.2, NM_001145850.2); short protein forms A772V, A763V.
Identifiers: ClinVar variation 2990694 (VCV002990694.3), dbSNP rs547849234, ClinGen allele CA2866426.

ClinVar aggregate classification (germline): Uncertain significance (1 of 4 stars; one submission).

Allele frequency attached by ClinVar (database versions not stated): gnomAD exomes 0.00001; TOPMed 0.00001; gnomAD 0.00002; ExAC 0.00004; 1000 Genomes Project 30x 0.00016; 1000 Genomes Project 0.00020.
gnomAD v4.1: 15 of 1,607,500 alleles (0.00093%); highest among the groups gnomAD compares: East Asian, 0.016%; no homozygotes.

Submission:

Labcorp Genetics (formerly Invitae), Labcorp
Classification: Uncertain significance. Last evaluated: 2025-01-14. Review status: criteria provided, single submitter. Criteria: Invitae Variant Classification Sherloc (09022015). Collection method: clinical testing. Allele origin: germline.
Comment: This sequence change replaces alanine, which is neutral and non-polar, with valine, which is neutral and non-polar, at codon 772 of the PROM1 protein (p.Ala772Val). The frequency data for this variant in the population databases is considered unreliable, as metrics indicate poor data quality at this position in the gnomAD database. This variant has not been reported in the literature in individuals affected with PROM1-related conditions. ClinVar contains an entry for this variant (Variation ID: 2990694). Invitae Evidence Modeling of protein sequence and biophysical properties (such as structural, functional, and spatial information, amino acid conservation, physicochemical variation, residue mobility, and thermodynamic stability) indicates that this missense variant is not expected to disrupt PROM1 protein function with a negative predictive value of 80%. In summary, the available evidence is currently insufficient to determine the role of this variant in disease. Therefore, it has been classified as a Variant of Uncertain Significance.